The following is an entry in ClinVar:

ClinVar aggregate classification (germline): Uncertain significance (1 of 4 stars; one submission).

Submission:

Labcorp Genetics (formerly Invitae), Labcorp
Classification: Uncertain significance. Last evaluated: 2021-12-05. Review status: criteria provided, single submitter. Criteria: Invitae Variant Classification Sherloc (09022015). Collection method: clinical testing. Allele origin: germline.
Comment: Algorithms developed to predict the effect of missense changes on protein structure and function are either unavailable or do not agree on the potential impact of this missense change (SIFT: "Tolerated"; PolyPhen-2: "Probably Damaging"; Align-GVGD: "Class C0"). This sequence change replaces glycine, which is neutral and non-polar, with arginine, which is basic and polar, at codon 200 of the GEN1 protein (p.Gly200Arg). This variant is not present in population databases (gnomAD no frequency). This variant has not been reported in the literature in individuals affected with GEN1-related conditions. Algorithms developed to predict the effect of sequence changes on RNA splicing suggest that this variant may create or strengthen a splice site. In summary, the available evidence is currently insufficient to determine the role of this variant in disease. Therefore, it has been classified as a Variant of Uncertain Significance.

NM_001130009.3(GEN1):c.598G>A (p.Gly200Arg)

Gene: GEN1 (GEN1 structure-specific endonuclease; plus strand). Cytogenetic location: 2p24.2.
Variant type: single nucleotide variant.
Coding change: c.598G>A on transcript NM_001130009.3 (MANE Select); coding-DNA position 598, G replaced by A.
Protein change: p.Gly200Arg; replaces glycine 200 with arginine.
Molecular consequence: missense variant.
Genome position (GRCh38, 1-based): chr2:17,766,651, G>A. VCF-style: chr2-17766651-G-A. GRCh37 (hg19) VCF-style: chr2-17947918-G-A.
Other names: c.598G>A, p.Gly200Arg (NM_182625.5); short protein forms G200R.
Identifiers: ClinVar variation 1461949 (VCV001461949.6), dbSNP rs2125131763, ClinGen allele CA345912688.